The following is an entry in ClinVar:

ClinVar aggregate classification (germline): Benign. Review status: criteria provided, single submitter (1 of 4 stars). 2 submissions from 2 submitters: Benign (1). 1 of the submissions does not count toward it. Last evaluated 2018-02-12.

Conditions:
OTC-related disorder. Also called: OTC-related condition.

Allele frequency attached by ClinVar (database versions not stated): TOPMed 0.70492; 1000 Genomes Project 30x 0.71488; gnomAD 0.69636; 1000 Genomes Project 0.71815.

Submissions (2):

GeneDx
Classification: Benign. Last evaluated: 2018-02-12. Review status: criteria provided, single submitter. Criteria: GeneDx Variant Classification (06012015). Collection method: clinical testing. Allele origin: germline. Affected: yes.
Comment: This variant is considered likely benign or benign based on one or more of the following criteria: it is a conservative change, it occurs at a poorly conserved position in the protein, it is predicted to be benign by multiple in silico algorithms, and/or has population frequency not consistent with disease.

PreventionGenetics, part of Exact Sciences
Classification: Benign for OTC-related condition. Last evaluated: 2023-12-01. Review status: no assertion criteria provided. Collection method: clinical testing. Allele origin: germline. Not counted in ClinVar's aggregate classification.
Comment: This variant is classified as benign based on ACMG/AMP sequence variant interpretation guidelines (Richards et al. 2015 PMID: 25741868, with internal and published modifications).

NC_000023.11:g.38352256A>G

Gene: OTC (ornithine transcarbamylase; plus strand). Cytogenetic location: Xp11.4.
Variant type: single nucleotide variant.
Molecular consequence: intron variant (on NM_001407092.1).
Genome position: GRCh38 VCF-style: chrX-38352256-A-G. GRCh37 (hg19) VCF-style: chrX-38211509-A-G.
Other names: c.-79-362A>G (NM_001407092.1).
Identifiers: ClinVar variation 516560 (VCV000516560.5), dbSNP rs5917572, ClinGen allele CA327916510.
Genomic context (GRCh38, chrX:38,352,256, plus strand): 5'-GTGGAAAGACTGGCAATTAGAGGTAGAAAAGTGAAATAAATGGAAATAGTACTACTCAGG[A>G]CTGTCACATCTACATCTGTGTTTTTGCAGTGCCAATTTGCATTTTCTGAGTGAGTTACTT-3'